The following is an entry in ClinVar:

NM_000062.3(SERPING1):c.1141del (p.Ala381fs)

Gene: SERPING1 (serpin family G member 1; plus strand). Cytogenetic location: 11q12.1.
Variant type: Deletion.
Coding change: c.1141del on transcript NM_000062.3 (MANE Select); coding-DNA position 1141, one base deleted (G; older notation c.1141delG).
Protein change: p.Ala381fs; shifts the reading frame from alanine 381.
Molecular consequence: frameshift variant.
Genome position (GRCh38, 1-based): chr11:57,611,828, G deleted; the last of 2 consecutive G bases (chr11:57,611,827-57,611,828); deleting either gives the same sequence. VCF-style (leftmost placement, unchanged base first): chr11-57611826-AG-A. GRCh37 (hg19) VCF-style: chr11-57379299-AG-A.
Other names: c.1141delG (NM_000062.3); c.1141del, p.Ala381fs (NM_001032295.2); short protein forms A381fs.
Identifiers: ClinVar variation 4857360 (VCV004857360.1).

ClinVar aggregate classification (germline): Likely pathogenic (1 of 4 stars; one submission).

Conditions:
Hereditary angioedema type 1 (HAE1). Identifiers: Orphanet 100050, Orphanet 100051, Orphanet 91378, MedGen C2717906, MONDO:0015053, OMIM 106100.

Submission:

Department of Allergy, Henan Provincial People's Hospital
Classification: Likely pathogenic for Hereditary angioedema type 1. Last evaluated: 2026-06-26. Review status: criteria provided, single submitter. Criteria: ACMG Guidelines, 2015. Collection method: clinical testing. Allele origin: germline. Inheritance: Autosomal dominant inheritance. Affected: yes. Observed: 1 variant allele, 1 heterozygote.
Comment: According to ACMG/AMP criteria, this variant was classified as likely pathogenic based on PVS1, PM2, and PP4.